The following is an entry in ClinVar:

ClinVar aggregate classification (germline): Likely benign. Review status: criteria provided, multiple submitters, no conflicts (2 of 4 stars). 3 submissions from 3 submitters: Likely benign (2). 1 of the submissions does not count toward it. Last evaluated 2026-06-14.

Conditions:
Cystic fibrosis (CF). Also called: MUCOVISCIDOSIS. Identifiers: Orphanet 586, MedGen C0010674, MONDO:0009061, OMIM 219700. Disease mechanism: loss of function.
CFTR-related disorder (CFTR-RD). Also called: CFTR-related disorders; CFTR-related condition. Identifiers: MedGen C5924204, MONDO:7770004.

Submissions (3):

Ambry Genetics
Classification: Likely benign for Cystic fibrosis. Last evaluated: 2026-06-14. Review status: criteria provided, single submitter. Criteria: Ambry Variant Classification Scheme 2023. Collection method: clinical testing. Allele origin: germline.

Labcorp Genetics (formerly Invitae), Labcorp
Classification: Likely benign for Cystic fibrosis. Last evaluated: 2023-01-30. Review status: criteria provided, single submitter. Criteria: Invitae Variant Classification Sherloc (09022015). Collection method: clinical testing. Allele origin: germline.

PreventionGenetics, part of Exact Sciences
Classification: Likely benign for CFTR-related condition. Last evaluated: 2021-12-15. Review status: no assertion criteria provided. Collection method: clinical testing. Allele origin: germline. Not counted in ClinVar's aggregate classification.
Comment: This variant is classified as likely benign based on ACMG/AMP sequence variant interpretation guidelines (Richards et al. 2015 PMID: 25741868, with internal and published modifications).

NM_000492.4(CFTR):c.2955C>T (p.Asp985=)

Genes: CFTR (CF transmembrane conductance regulator; plus strand), CFTR-AS2 (CFTR antisense RNA 2; minus strand). Cytogenetic location: 7q31.2.
Variant type: single nucleotide variant.
Coding change: c.2955C>T on transcript NM_000492.4 (MANE Select); coding-DNA position 2955, C replaced by T.
Protein change: p.Asp985=; no amino-acid change (aspartic acid 985 retained).
Molecular consequence: synonymous variant.
Genome position (GRCh38, 1-based): chr7:117,606,720, C>T. VCF-style: chr7-117606720-C-T. GRCh37 (hg19) VCF-style: chr7-117246774-C-T.
Identifiers: ClinVar variation 2782786 (VCV002782786.6), dbSNP rs755691985, ClinGen allele CA457228828.